The following is an entry in ClinVar:

ClinVar aggregate classification (germline): Likely benign (1 of 4 stars; one submission).

Submission:

GeneDx
Classification: Likely benign. Last evaluated: 2015-04-30. Review status: criteria provided, single submitter. Criteria: GeneDx Variant Classification (06012015). Collection method: clinical testing. Allele origin: germline. Affected: yes.
Comment: This variant is considered likely benign or benign based on one or more of the following criteria: it is a conservative change, it occurs at a poorly conserved position in the protein, it is predicted to be benign by multiple in silico algorithms, and/or has population frequency not consistent with disease.

NM_001379110.1(SLC9A6):c.900C>T (p.Thr300=)

Gene: SLC9A6 (solute carrier family 9 member A6; plus strand). Cytogenetic location: Xq26.3.
Variant type: single nucleotide variant.
Coding change: c.900C>T on transcript NM_001379110.1 (MANE Select); coding-DNA position 900, C replaced by T.
Protein change: p.Thr300=; no amino-acid change (threonine 300 retained).
Molecular consequence: synonymous variant.
Genome position (GRCh38, 1-based): chrX:136,012,963, C>T. VCF-style: chrX-136012963-C-T. GRCh37 (hg19) VCF-style: chrX-135095122-C-T.
Other names: c.1056C>T, p.Thr352= (NM_001042537.2); c.900C>T, p.Thr300= (NM_001177651.2); c.804C>T, p.Thr268= (NM_001330652.2); c.960C>T, p.Thr320= (NM_006359.3).
Identifiers: ClinVar variation 379637 (VCV000379637.1), dbSNP rs1057520676, ClinGen allele CA16609128.